The following is an entry in ClinVar:

NM_015978.3(TNNI3K):c.2160A>C (p.Glu720Asp)

Genes: FPGT-TNNI3K (FPGT-TNNI3K readthrough; plus strand), LRRC53 (leucine rich repeat containing 53; minus strand), TNNI3K (TNNI3 interacting kinase; plus strand). Cytogenetic location: 1p31.1.
Variant type: single nucleotide variant.
Coding change: c.2160A>C on transcript NM_015978.3 (MANE Select); coding-DNA position 2160, A replaced by C.
Protein change: p.Glu720Asp; replaces glutamic acid 720 with aspartic acid.
Molecular consequence: missense variant. On other transcripts: intron variant (2).
Genome position (GRCh38, 1-based): chr1:74,489,227, A>C. VCF-style: chr1-74489227-A-C. GRCh37 (hg19) VCF-style: chr1-74954911-A-C.
Other names: c.2463A>C, p.Glu821Asp (NM_001112808.3); c.-8-8259T>G (NM_001364666.2); c.-26-5852T>G (NM_001382280.1); short protein forms E821D, E720D.
Identifiers: ClinVar variation 1410611 (VCV001410611.6), dbSNP rs1312611492, ClinGen allele CA340798617.

ClinVar aggregate classification (germline): Uncertain significance (1 of 4 stars; one submission).

Submission:

Labcorp Genetics (formerly Invitae), Labcorp
Classification: Uncertain significance. Last evaluated: 2021-10-16. Review status: criteria provided, single submitter. Criteria: Invitae Variant Classification Sherloc (09022015). Collection method: clinical testing. Allele origin: germline.
Comment: In summary, the available evidence is currently insufficient to determine the role of this variant in disease. Therefore, it has been classified as a Variant of Uncertain Significance. Algorithms developed to predict the effect of missense changes on protein structure and function (SIFT, PolyPhen-2, Align-GVGD) all suggest that this variant is likely to be tolerated. This variant has not been reported in the literature in individuals affected with TNNI3K-related conditions. This variant is not present in population databases (ExAC no frequency). This sequence change replaces glutamic acid with aspartic acid at codon 720 of the TNNI3K protein (p.Glu720Asp). The glutamic acid residue is highly conserved and there is a small physicochemical difference between glutamic acid and aspartic acid.